The following is an entry in ClinVar:

ClinVar aggregate classification (germline): Likely pathogenic (1 of 4 stars; one submission).

Conditions:
Autosomal recessive limb-girdle muscular dystrophy type 2D (LGMDR3). Also called: DUCHENNE-LIKE AUTOSOMAL RECESSIVE MUSCULAR DYSTROPHY, TYPE 2; ADHALINOPATHY, PRIMARY; MUSCULAR DYSTROPHY, LIMB-GIRDLE, AUTOSOMAL RECESSIVE 3. Identifiers: Orphanet 62, MedGen C2936332, MONDO:0011968, OMIM 608099. Disease mechanism: Affects gamma-sarcoglycan and also disrupts the integrity of the entire sarcoglycan complex..

Submission:

Labcorp Genetics (formerly Invitae), Labcorp
Classification: Likely pathogenic for Autosomal recessive limb-girdle muscular dystrophy type 2D. Last evaluated: 2024-04-25. Review status: criteria provided, single submitter. Criteria: Invitae Variant Classification Sherloc (09022015). Collection method: clinical testing. Allele origin: germline.
Comment: This sequence change replaces cysteine, which is neutral and slightly polar, with tyrosine, which is neutral and polar, at codon 232 of the SGCA protein (p.Cys232Tyr). This variant is not present in population databases (gnomAD no frequency). This variant has not been reported in the literature in individuals affected with SGCA-related conditions. ClinVar contains an entry for this variant (Variation ID: 1052005). Advanced modeling of protein sequence and biophysical properties (such as structural, functional, and spatial information, amino acid conservation, physicochemical variation, residue mobility, and thermodynamic stability) performed at Invitae indicates that this missense variant is expected to disrupt SGCA protein function with a positive predictive value of 95%. This variant disrupts the p.Cys232 amino acid residue in SGCA. Other variant(s) that disrupt this residue have been determined to be pathogenic (PMID: 18996010, 22095924, 35416532). This suggests that this residue is clinically significant, and that variants that disrupt this residue are likely to be disease-causing. In summary, the currently available evidence indicates that the variant is pathogenic, but additional data are needed to prove that conclusively. Therefore, this variant has been classified as Likely Pathogenic.

Literature cited by the submitters: PubMed 18996010; PubMed 22095924; PubMed 35416532.

NM_000023.4(SGCA):c.695G>A (p.Cys232Tyr)

Gene: SGCA (sarcoglycan alpha; plus strand). Cytogenetic location: 17q21.33.
Variant type: single nucleotide variant.
Coding change: c.695G>A on transcript NM_000023.4 (MANE Select); coding-DNA position 695, G replaced by A.
Protein change: p.Cys232Tyr; replaces cysteine 232 with tyrosine.
Molecular consequence: missense variant. On other transcripts: non-coding transcript variant (1), intron variant (1).
Genome position (GRCh38, 1-based): chr17:50,169,202, G>A. VCF-style: chr17-50169202-G-A. GRCh37 (hg19) VCF-style: chr17-48246563-G-A.
Other names: c.584+630G>A (NM_001135697.3); short protein forms C232Y.
Identifiers: ClinVar variation 1052005 (VCV001052005.8), dbSNP rs2144498403, ClinGen allele CA400180827.
Genomic context (GRCh38, chr17:50,169,202, plus strand): 5'-TGGTGGCATCCCCCGATAGCCACGCCCGCTGTGCCCAGGGCCAGCCTCCACTTCTGTCTT[G>A]CTACGACACCTTGGCACCCCACTTCCGCGTTGACTGGTGCAATGTGACCCTGGTGAGGAG-3'
Protein context (NP_000014.1, residues 222-242): CAQGQPPLLS[Cys232Tyr]YDTLAPHFRV